The following is an entry in ClinVar:

NM_000445.5(PLEC):c.70A>T (p.Ser24Cys)

Gene: PLEC (plectin; minus strand). Cytogenetic location: 8q24.3.
Variant type: single nucleotide variant.
Coding change: c.70A>T on transcript NM_000445.5; coding-DNA position 70, A replaced by T.
Protein change: p.Ser24Cys; replaces serine 24 with cysteine.
Molecular consequence: missense variant.
Genome position (GRCh38, 1-based): chr8:143,975,300, T>A on the plus strand (A>T on the coding strand, the complement: PLEC is on the minus strand). VCF-style: chr8-143975300-T-A. GRCh37 (hg19) VCF-style: chr8-145049468-T-A.
Other names: c.70A>T, p.Ser24Cys (NM_001410941.1); short protein forms S24C.
Identifiers: ClinVar variation 2148558 (VCV002148558.5), dbSNP rs782375453, ClinGen allele CA372492031.

ClinVar aggregate classification (germline): Uncertain significance. Review status: criteria provided, multiple submitters, no conflicts (2 of 4 stars). 2 submissions from 2 submitters: Uncertain significance (2). Last evaluated 2025-09-18.

Conditions:
Epidermolysis bullosa simplex with nail dystrophy (EBS5D). Identifiers: MedGen C4225309, MONDO:0014661, OMIM 616487.
Epidermolysis bullosa simplex, Ogna type (EBS5A). Also called: Pidermolysis bullosa simplex 5A, Ogna type; EPIDERMOLYSIS BULLOSA SIMPLEX 5A, OGNA TYPE. Identifiers: Orphanet 79401, MedGen C0432317, MONDO:0007555, OMIM 131950.
Autosomal recessive limb-girdle muscular dystrophy type 2Q (LGMDR17). Also called: MUSCULAR DYSTROPHY, LIMB-GIRDLE, AUTOSOMAL RECESSIVE 17. Identifiers: Orphanet 254361, MedGen C3150989, MONDO:0013390, OMIM 613723.
Epidermolysis bullosa simplex 5B, with muscular dystrophy (EBS5B). Also called: Epidermolysis bullosa simplex with muscular dystrophy; EPIDERMOLYSIS BULLOSA SIMPLEX AND LIMB-GIRDLE MUSCULAR DYSTROPHY. Identifiers: Orphanet 257, MedGen C2931072, MONDO:0009181, OMIM 226670.
Epidermolysis bullosa simplex 5C, with pyloric atresia (EBS5C). Also called: PLEC-Related Epidermolysis Bullosa with Pyloric Atresia; Epidermolysis bullosa simplex with pyloric atresia; PLEC1-Related Epidermolysis Bullosa with Pyloric Atresia. Identifiers: Orphanet 158684, MedGen C2677349, MONDO:0012807, OMIM 612138.
PLEC-related disorder. Also called: PLEC-related disorders; PLEC-related condition.

Allele frequency attached by ClinVar (database versions not stated): gnomAD exomes below 0.00001; TOPMed 0.00001; gnomAD 0.00001.
gnomAD v4.1: 2 of 1,598,700 alleles (0.00013%); highest among the groups gnomAD compares: Non-Finnish European, 0.00017%; no homozygotes.

Submissions (2):

PreventionGenetics, part of Exact Sciences
Classification: Uncertain significance for PLEC-related condition. Last evaluated: 2025-09-18. Review status: criteria provided, single submitter. Criteria: ACMG Guidelines, 2015. Collection method: clinical testing. Allele origin: germline.
Comment: The PLEC c.70A>T variant is predicted to result in the amino acid substitution p.Ser24Cys. To our knowledge, this variant has not been reported in the literature or in a large population database (gnomAD), indicating this variant is rare. At this time, the clinical significance of this variant is uncertain due to the absence of conclusive functional and genetic evidence.

Labcorp Genetics (formerly Invitae), Labcorp
Classification: Uncertain significance for Autosomal recessive limb-girdle muscular dystrophy type 2Q; Epidermolysis bullosa simplex, Ogna type; Epidermolysis bullosa simplex with nail dystrophy; Epidermolysis bullosa simplex 5C, with pyloric atresia; Epidermolysis bullosa simplex 5B, with muscular dystrophy. Last evaluated: 2022-04-12. Review status: criteria provided, single submitter. Criteria: Invitae Variant Classification Sherloc (09022015). Collection method: clinical testing. Allele origin: germline.
Comment: This variant has not been reported in the literature in individuals affected with PLEC-related conditions. In summary, the available evidence is currently insufficient to determine the role of this variant in disease. Therefore, it has been classified as a Variant of Uncertain Significance. Algorithms developed to predict the effect of missense changes on protein structure and function are either unavailable or do not agree on the potential impact of this missense change (SIFT: "Tolerated"; PolyPhen-2: "Not Available"; Align-GVGD: "Class C0"). This variant is not present in population databases (gnomAD no frequency). This sequence change replaces serine, which is neutral and polar, with cysteine, which is neutral and slightly polar, at codon 24 of the PLEC protein (p.Ser24Cys).